The following is an entry in ClinVar:

ClinVar aggregate classification (germline): Uncertain significance. Review status: criteria provided, multiple submitters, no conflicts (2 of 4 stars). 2 submissions from 2 submitters: Uncertain significance (2). Last evaluated 2025-04-12.

Conditions:
Inborn genetic diseases. Identifiers: MedGen C0950123, MeSH D030342.

gnomAD v4.1: 6 of 1,613,910 alleles (0.00037%); highest among the groups gnomAD compares: Non-Finnish European, 0.00051%; no homozygotes.

Submissions (2):

Ambry Genetics
Classification: Uncertain significance for Inborn genetic diseases. Last evaluated: 2025-04-12. Review status: criteria provided, single submitter. Criteria: Ambry Variant Classification Scheme 2023. Collection method: clinical testing. Allele origin: germline.

Women's Health and Genetics/Laboratory Corporation of America, LabCorp
Classification: Uncertain significance. Last evaluated: 2024-10-03. Review status: criteria provided, single submitter. Criteria: LabCorp Variant Classification Summary - May 2015. Collection method: clinical testing. Allele origin: germline.
Comment: Variant summary: MAST1 c.1003T>C (p.Phe335Leu) results in a non-conservative amino acid change located in the Microtubule-associated serine/threonine-protein kinase, pre-PK domain (IPR015022) of the encoded protein sequence. Three of five in-silico tools predict a benign effect of the variant on protein function. The variant allele was found at a frequency of 8e-06 in 250948 control chromosomes. The available data on variant occurrences in the general population are insufficient to allow any conclusion about variant significance. To our knowledge, no occurrence of c.1003T>C in individuals affected with Mega-Corpus Syndrome With Cerebellar Hypoplasia And Cortical Malformations and no experimental evidence demonstrating its impact on protein function have been reported. No submitters have cited clinical-significance assessments for this variant to ClinVar. Based on the evidence outlined above, the variant was classified as uncertain significance.

NM_014975.3(MAST1):c.1003T>C (p.Phe335Leu)

Gene: MAST1 (microtubule associated serine/threonine kinase 1; plus strand). Cytogenetic location: 19p13.13.
Variant type: single nucleotide variant.
Coding change: c.1003T>C on transcript NM_014975.3 (MANE Select); coding-DNA position 1003, T replaced by C.
Protein change: p.Phe335Leu; replaces phenylalanine 335 with leucine.
Molecular consequence: missense variant.
Genome position (GRCh38, 1-based): chr19:12,852,241, T>C. VCF-style: chr19-12852241-T-C. GRCh37 (hg19) VCF-style: chr19-12963055-T-C.
Other names: c.1003T>C (NM_014975.2); short protein forms F335L.
Identifiers: ClinVar variation 3384960 (VCV003384960.2).